The following is an entry in ClinVar:

ClinVar aggregate classification (germline): Uncertain significance (1 of 4 stars; one submission).

Conditions:
Cardiovascular phenotype. Identifiers: MedGen CN230736.

Submission:

Ambry Genetics
Classification: Uncertain significance for Cardiovascular phenotype. Last evaluated: 2025-12-28. Review status: criteria provided, single submitter. Criteria: Ambry Variant Classification Scheme 2023. Collection method: clinical testing. Allele origin: germline.
Comment: The p.E210D variant (also known as c.630A>C), located in coding exon 5 of the ENG gene, results from an A to C substitution at nucleotide position 630. The glutamic acid at codon 210 is replaced by aspartic acid, an amino acid with highly similar properties. This amino acid position is conserved. In addition, this alteration is predicted to be tolerated by in silico analysis. Based on the available evidence, the clinical significance of this variant remains unclear.

NM_001114753.3(ENG):c.630A>C (p.Glu210Asp)

Gene: ENG (endoglin; minus strand). Cytogenetic location: 9q34.11.
Variant type: single nucleotide variant.
Coding change: c.630A>C on transcript NM_001114753.3 (MANE Select); coding-DNA position 630, A replaced by C.
Protein change: p.Glu210Asp; replaces glutamic acid 210 with aspartic acid.
Molecular consequence: missense variant.
Genome position (GRCh38, 1-based): chr9:127,825,754, T>G on the plus strand (A>C on the coding strand, the complement: ENG is on the minus strand). VCF-style: chr9-127825754-T-G. GRCh37 (hg19) VCF-style: chr9-130588033-T-G.
Other names: c.630A>C, p.Glu210Asp (NM_000118.4, NM_001406715.1); c.84A>C, p.Glu28Asp (NM_001278138.2); short protein forms E28D, E210D.
Identifiers: ClinVar variation 4843457 (VCV004843457.1).
Genomic context (GRCh38, chr9:127,825,754, plus strand): 5'-CCCGGCCGAGTGGCCCGGCAGGACCCTCAGGATGTGCGCCTCCTTGTGGCCGGCCACGCC[T>G]TCCAAGTGGCAGCCCCGGACCAAGGCTGGAGTACGCGGCCGCCACTCGAGCGTGCGGCCC-3'
Protein context (NP_001108225.1, residues 200-220): TPALVRGCHL[Glu210Asp]GVAGHKEAHI